The following is an entry in ClinVar:

NM_031885.5(BBS2):c.1371del (p.Lys458fs)

Gene: BBS2 (Bardet-Biedl syndrome 2; minus strand). Cytogenetic location: 16q13.
Variant type: Deletion.
Coding change: c.1371del on transcript NM_031885.5 (MANE Select); coding-DNA position 1371, one base deleted (G; older notation c.1371delG).
Protein change: p.Lys458fs; shifts the reading frame from lysine 458.
Molecular consequence: frameshift variant. On other transcripts: non-coding transcript variant (2).
Genome position (GRCh38, 1-based): chr16:56,500,880, C deleted on the plus strand (G on the coding strand, the reverse complement: BBS2 is on the minus strand). VCF-style (leftmost placement, unchanged base first): chr16-56500879-TC-T. GRCh37 (hg19) VCF-style: chr16-56534791-TC-T.
Other names: c.1371del (NM_031885.3); c.1371del, p.Lys458fs (NM_001377456.1); c.1371delG (NM_031885.3); short protein forms K458fs.
Identifiers: ClinVar variation 1069384 (VCV001069384.12), dbSNP rs2144143132, ClinGen allele CA2499223567.

ClinVar aggregate classification (germline): Pathogenic/Likely pathogenic. Review status: criteria provided, multiple submitters, no conflicts (2 of 4 stars). 4 submissions from 4 submitters: Pathogenic (3); Likely pathogenic (1). Last evaluated 2025-03-10.

Conditions:
BBS2-related disorder. Also called: BBS2-related disorders; BBS2-related condition. Identifiers: MedGen CN239228.
Bardet-Biedl syndrome 2 (BBS2). Identifiers: Orphanet 110, MedGen C2936863, MONDO:0014432, OMIM 615981.
Bardet-Biedl syndrome (BBS). Identifiers: Orphanet 110, MedGen C0752166, MONDO:0015229.

Allele frequency attached by ClinVar (database versions not stated): gnomAD exomes below 0.00001.

Submissions (4):

Natera, Inc.
Classification: Pathogenic for Bardet-Biedl syndrome type 2. Last evaluated: 2025-03-10. Review status: criteria provided, single submitter. Criteria: Natera Variant Classification Schema (03/2026). Collection method: clinical testing. Allele origin: germline.
Comment: The c.1371del variant in BBS2 is a frameshift variant predicted to shift the reading frame beginning at codon 458 and leads to a stop codon 29 codons downstream. This variant is expected to result in nonsense mediated decay, truncation, or a dysfunctional protein product. This variant is rare in the general population with a frequency below the threshold expected for the associated phenotype(s). This variant has been observed in one or more individuals affected with the associated recessive disease, as either homozygous or compound heterozygous with a second variant (PMID: 21052717). Given the available evidence, this variant is classified as Pathogenic.

Labcorp Genetics (formerly Invitae), Labcorp
Classification: Pathogenic for Bardet-Biedl syndrome. Last evaluated: 2024-08-14. Review status: criteria provided, single submitter. Criteria: Invitae Variant Classification Sherloc (09022015). Collection method: clinical testing. Allele origin: germline.
Comment: This sequence change creates a premature translational stop signal (p.Lys458Argfs*29) in the BBS2 gene. It is expected to result in an absent or disrupted protein product. Loss-of-function variants in BBS2 are known to be pathogenic (PMID: 11285252, 20177705, 24608809, 26518167). This variant is not present in population databases (gnomAD no frequency). This premature translational stop signal has been observed in individual(s) with clinical features of Bardet-Biedl syndrome (PMID: 21052717). ClinVar contains an entry for this variant (Variation ID: 1069384). Algorithms developed to predict the effect of sequence changes on RNA splicing suggest that this variant may disrupt the consensus splice site. For these reasons, this variant has been classified as Pathogenic.

Women's Health and Genetics/Laboratory Corporation of America, LabCorp
Classification: Likely pathogenic for Bardet-Biedl syndrome. Last evaluated: 2023-03-17. Review status: criteria provided, single submitter. Criteria: LabCorp Variant Classification Summary - May 2015. Collection method: clinical testing. Allele origin: germline.
Comment: Variant summary: BBS2 c.1371delG (p.Lys458ArgfsX29) results in a premature termination codon, predicted to cause a truncation of the encoded protein or absence of the protein due to nonsense mediated decay, which are commonly known mechanisms for disease. Truncations downstream of this position have been classified as pathogenic by our laboratory. The variant was absent in 251458 control chromosomes (gnomAD). c.1371delG has been reported in the literature in an individual affected with Bardet-Biedl Syndrome (Janssen_2011). To our knowledge, no experimental evidence demonstrating an impact on protein function has been reported. One clinical diagnostic laboratory has submitted a clinical-significance assessment for this variant to ClinVar after 2014 and classified the variant as pathogenic. Based on the evidence outlined above, the variant was classified as likely pathogenic.

PreventionGenetics, part of Exact Sciences
Classification: Pathogenic for BBS2-related condition. Last evaluated: 2022-09-15. Review status: criteria provided, single submitter. Criteria: ACMG Guidelines, 2015. Collection method: clinical testing. Allele origin: germline.
Comment: The BBS2 c.1371delG variant is predicted to result in a frameshift and premature protein termination (p.Lys458Argfs*29). This variant was reported along with a second apparently disease-causing BBS2 variant in an individual with Bardet-Biedl syndrome (Janssen et al 2011. PubMed ID: 21052717). This variant has not been reported in a large population database, indicating this variant is rare. Frameshift variants in BBS2 are expected to be pathogenic. This variant is interpreted as pathogenic.

Literature cited by the submitters: PubMed 21052717 (cited by 3 submitters); PubMed 11285252 (cited by Labcorp Genetics (formerly Invitae), Labcorp); PubMed 20177705 (cited by Labcorp Genetics (formerly Invitae), Labcorp); PubMed 24608809 (cited by Labcorp Genetics (formerly Invitae), Labcorp); PubMed 26518167 (cited by Labcorp Genetics (formerly Invitae), Labcorp).